The following is an entry in ClinVar:

NM_020937.4(FANCM):c.1787G>A (p.Arg596His)

Gene: FANCM (FA complementation group M; plus strand). Cytogenetic location: 14q21.2.
Variant type: single nucleotide variant.
Coding change: c.1787G>A on transcript NM_020937.4 (MANE Select); coding-DNA position 1787, G replaced by A.
Protein change: p.Arg596His; replaces arginine 596 with histidine.
Molecular consequence: missense variant.
Genome position (GRCh38, 1-based): chr14:45,164,564, G>A. VCF-style: chr14-45164564-G-A. GRCh37 (hg19) VCF-style: chr14-45633767-G-A.
Other names: c.1709G>A, p.Arg570His (NM_001308133.2); c.1787G>A, p.Arg596His (NM_001308134.2); short protein forms R570H, R596H.
Identifiers: ClinVar variation 1313214 (VCV001313214.7), dbSNP rs1325033142, ClinGen allele CA389594284.

ClinVar aggregate classification (germline): Uncertain significance. Review status: criteria provided, multiple submitters, no conflicts (2 of 4 stars). 2 submissions from 2 submitters: Uncertain significance (2). Last evaluated 2024-08-24.

Conditions:
Fanconi anemia (FA). Also called: Fanconi's anemia. Identifiers: Orphanet 84, MedGen C0015625, MeSH D005199, MONDO:0019391.

Allele frequency attached by ClinVar (database versions not stated): TOPMed 0.00002.

Submissions (2):

Labcorp Genetics (formerly Invitae), Labcorp
Classification: Uncertain significance for Fanconi anemia. Last evaluated: 2024-08-24. Review status: criteria provided, single submitter. Criteria: Invitae Variant Classification Sherloc (09022015). Collection method: clinical testing. Allele origin: germline.
Comment: This sequence change replaces arginine, which is basic and polar, with histidine, which is basic and polar, at codon 596 of the FANCM protein (p.Arg596His). This variant is not present in population databases (gnomAD no frequency). This variant has not been reported in the literature in individuals affected with FANCM-related conditions. ClinVar contains an entry for this variant (Variation ID: 1313214). An algorithm developed to predict the effect of missense changes on protein structure and function outputs the following: PolyPhen-2: "Benign". The histidine amino acid residue is found in multiple mammalian species, which suggests that this missense change does not adversely affect protein function. In summary, the available evidence is currently insufficient to determine the role of this variant in disease. Therefore, it has been classified as a Variant of Uncertain Significance.

GeneDx
Classification: Uncertain significance. Last evaluated: 2023-08-04. Review status: criteria provided, single submitter. Criteria: GeneDx Variant Classification Process June 2021. Collection method: clinical testing. Allele origin: germline. Affected: yes.
Comment: Not observed at significant frequency in large population cohorts (gnomAD); In silico analysis supports that this missense variant has a deleterious effect on protein structure/function; Has not been previously published as pathogenic or benign to our knowledge